The following is an entry in ClinVar:

ClinVar aggregate classification (germline): Uncertain significance (1 of 4 stars; one submission).

Submission:

CeGaT Center for Human Genetics Tuebingen
Classification: Uncertain significance. Last evaluated: 2026-08-01. Review status: criteria provided, single submitter. Criteria: CeGaT Center For Human Genetics Tuebingen Variant Classification Criteria Version 2. Collection method: clinical testing. Allele origin: germline. Affected: yes. Observed: 1 variant allele.
Comment: PIGS: PM2

NM_033198.4(PIGS):c.676+3A>G

Gene: PIGS (phosphatidylinositol glycan anchor biosynthesis class S; minus strand). Cytogenetic location: 17q11.2.
Variant type: single nucleotide variant.
Coding change: c.676+3A>G on transcript NM_033198.4 (MANE Select); 3 bases into the intron after coding-DNA position 676, A replaced by G.
Molecular consequence: intron variant.
Genome position (GRCh38, 1-based): chr17:28,561,419, T>C on the plus strand (A>G on the coding strand, the complement: PIGS is on the minus strand). VCF-style: chr17-28561419-T-C. GRCh37 (hg19) VCF-style: chr17-26888437-T-C.
Identifiers: ClinVar variation 5041486 (VCV005041486.1).
Genomic context (GRCh38, chr17:28,561,419, plus strand): 5'-TTTCCCTCCTGCCCCATGTAATTCATTTCCTCTCCCTTCATGTGGCAGAGCCTGGTGCCC[T>C]ACCCAAGCTGGACTTGAGAGGCCGCCTCTTCTCAGCGCTCCACTTGTCCTCTGGAAGGTG-3'